The following is an entry in ClinVar:

ClinVar aggregate classification (germline): Uncertain significance (1 of 4 stars; one submission).

Submission:

Ambry Genetics
Classification: Uncertain significance. Last evaluated: 2026-03-03. Review status: criteria provided, single submitter. Criteria: Ambry Variant Classification Scheme 2023. Collection method: clinical testing. Allele origin: germline.
Comment: The p.A1450T variant (also known as c.4348G>A), located in coding exon 14 of the CDK12 gene, results from a G to A substitution at nucleotide position 4348. The alanine at codon 1450 is replaced by threonine, an amino acid with similar properties. This amino acid position is conserved. In addition, this alteration is predicted to be tolerated by in silico analysis. Based on the available evidence, the clinical significance of this variant remains unclear.

NM_016507.4(CDK12):c.4348G>A (p.Ala1450Thr)

Gene: CDK12 (cyclin dependent kinase 12; plus strand). Cytogenetic location: 17q12.
Variant type: single nucleotide variant.
Coding change: c.4348G>A on transcript NM_016507.4 (MANE Select); coding-DNA position 4348, G replaced by A.
Protein change: p.Ala1450Thr; replaces alanine 1450 with threonine.
Molecular consequence: missense variant.
Genome position (GRCh38, 1-based): chr17:39,531,191, G>A. VCF-style: chr17-39531191-G-A. GRCh37 (hg19) VCF-style: chr17-37687444-G-A.
Other names: c.4321G>A, p.Ala1441Thr (NM_015083.4); short protein forms A1450T, A1441T.
Identifiers: ClinVar variation 4825947 (VCV004825947.1).